The following is an entry in ClinVar:

NM_015459.5(ATL3):c.1305G>T (p.Lys435Asn)

Genes: ATL3 (atlastin GTPase 3; minus strand), LNCROPM (lncRNA regulator of PLAAT3 mediated phospholipid metabolism; plus strand), LOC126861231 (CDK7 strongly-dependent group 2 enhancer GRCh37_chr11:63398741-63399940; plus strand). Cytogenetic location: 11q13.1.
Variant type: single nucleotide variant.
Coding change: c.1305G>T on transcript NM_015459.5 (MANE Select); coding-DNA position 1305, G replaced by T.
Protein change: p.Lys435Asn; replaces lysine 435 with asparagine.
Molecular consequence: missense variant.
Genome position (GRCh38, 1-based): chr11:63,631,274, C>A on the plus strand (G>T on the coding strand, the complement: ATL3 is on the minus strand). VCF-style: chr11-63631274-C-A. GRCh37 (hg19) VCF-style: chr11-63398746-C-A.
Other names: c.1251G>T, p.Lys417Asn (NM_001290048.2); short protein forms K417N, K435N.
Identifiers: ClinVar variation 2977829 (VCV002977829.3), dbSNP rs758003602, ClinGen allele CA6063547.

ClinVar aggregate classification (germline): Uncertain significance (1 of 4 stars; one submission).

Conditions:
Neuropathy, hereditary sensory, type 1F. Also called: HSN IF; Hereditary sensory neuropathy type IF. Identifiers: Orphanet 36386, MedGen C3810194, MONDO:0014286, OMIM 615632.

Allele frequency attached by ClinVar (database versions not stated): gnomAD exomes below 0.00001; ExAC 0.00001; gnomAD 0.00001; TOPMed 0.00001.
gnomAD v4.1: 3 of 1,614,118 alleles (0.00019%); highest among the groups gnomAD compares: African/African-American, 0.004%; no homozygotes.

Submission:

Labcorp Genetics (formerly Invitae), Labcorp
Classification: Uncertain significance for Neuropathy, hereditary sensory, type 1F. Last evaluated: 2023-04-27. Review status: criteria provided, single submitter. Criteria: Invitae Variant Classification Sherloc (09022015). Collection method: clinical testing. Allele origin: germline.
Comment: This sequence change replaces lysine, which is basic and polar, with asparagine, which is neutral and polar, at codon 435 of the ATL3 protein (p.Lys435Asn). This variant is present in population databases (rs758003602, gnomAD 0.01%). This variant has not been reported in the literature in individuals affected with ATL3-related conditions. Advanced modeling of protein sequence and biophysical properties (such as structural, functional, and spatial information, amino acid conservation, physicochemical variation, residue mobility, and thermodynamic stability) performed at Invitae indicates that this missense variant is not expected to disrupt ATL3 protein function. In summary, the available evidence is currently insufficient to determine the role of this variant in disease. Therefore, it has been classified as a Variant of Uncertain Significance.